The following is an entry in ClinVar:

NM_138817.3(SLC7A13):c.1228G>A (p.Val410Ile)

Gene: SLC7A13 (solute carrier family 7 member 13; minus strand). Cytogenetic location: 8q21.3.
Variant type: single nucleotide variant.
Coding change: c.1228G>A on transcript NM_138817.3 (MANE Select); coding-DNA position 1228, G replaced by A.
Protein change: p.Val410Ile; replaces valine 410 with isoleucine.
Molecular consequence: missense variant.
Genome position (GRCh38, 1-based): chr8:86,214,598, C>T on the plus strand (G>A on the coding strand, the complement: SLC7A13 is on the minus strand). VCF-style: chr8-86214598-C-T. GRCh37 (hg19) VCF-style: chr8-87226827-C-T.
Other names: short protein forms V410I.
Identifiers: ClinVar variation 3165534 (VCV003165534.2), dbSNP rs753052558, ClinGen allele CA4797580.

ClinVar aggregate classification (germline): Uncertain significance. Review status: criteria provided, multiple submitters, no conflicts (2 of 4 stars). 2 submissions from 2 submitters: Uncertain significance (2). Last evaluated 2025-08-02.

Allele frequency attached by ClinVar (database versions not stated): ExAC 0.00002; TOPMed 0.00002; gnomAD 0.00003.

Submissions (2):

Labcorp Genetics (formerly Invitae), Labcorp
Classification: Uncertain significance. Last evaluated: 2025-08-02. Review status: criteria provided, single submitter. Criteria: Invitae Variant Classification Sherloc (09022015). Collection method: clinical testing. Allele origin: germline.
Comment: This sequence change replaces valine, which is neutral and non-polar, with isoleucine, which is neutral and non-polar, at codon 410 of the SLC7A13 protein (p.Val410Ile). This variant is present in population databases (rs753052558, gnomAD 0.005%). This variant has not been reported in the literature in individuals affected with SLC7A13-related conditions. ClinVar contains an entry for this variant (Variation ID: 3165534). An algorithm developed to predict the effect of missense changes on protein structure and function outputs the following: PolyPhen-2: "Benign". The isoleucine amino acid residue is found in multiple mammalian species, which suggests that this missense change does not adversely affect protein function. In summary, the available evidence is currently insufficient to determine the role of this variant in disease. Therefore, it has been classified as a Variant of Uncertain Significance.

Ambry Genetics
Classification: Uncertain significance. Last evaluated: 2023-10-06. Review status: criteria provided, single submitter. Criteria: Ambry Variant Classification Scheme 2023. Collection method: clinical testing. Allele origin: germline.